The following is an entry in ClinVar:

ClinVar aggregate classification (germline): Pathogenic (1 of 4 stars; one submission).

Conditions:
Nemaline myopathy 8 (NEM8). Also called: Nemaline myopathy 8, autosomal recessive. Identifiers: Orphanet 171430, MedGen C3809209, MONDO:0014138, OMIM 615348.

Submission:

Labcorp Genetics (formerly Invitae), Labcorp
Classification: Pathogenic for Nemaline myopathy 8. Last evaluated: 2024-12-09. Review status: criteria provided, single submitter. Criteria: Invitae Variant Classification Sherloc (09022015). Collection method: clinical testing. Allele origin: germline.
Comment: This sequence change creates a premature translational stop signal (p.Gln20*) in the KLHL40 gene. It is expected to result in an absent or disrupted protein product. Loss-of-function variants in KLHL40 are known to be pathogenic (PMID: 23746549). This variant is not present in population databases (gnomAD no frequency). This variant has not been reported in the literature in individuals affected with KLHL40-related conditions. ClinVar contains an entry for this variant (Variation ID: 1388572). For these reasons, this variant has been classified as Pathogenic.

Literature cited by the submitters: PubMed 23746549.

NM_152393.4(KLHL40):c.58C>T (p.Gln20Ter)

Gene: KLHL40 (kelch like family member 40; plus strand). Cytogenetic location: 3p22.1.
Variant type: single nucleotide variant.
Coding change: c.58C>T on transcript NM_152393.4 (MANE Select); coding-DNA position 58, C replaced by T.
Protein change: p.Gln20Ter; replaces glutamine 20 with a stop codon.
Molecular consequence: nonsense.
Genome position (GRCh38, 1-based): chr3:42,685,676, C>T. VCF-style: chr3-42685676-C-T. GRCh37 (hg19) VCF-style: chr3-42727168-C-T.
Other names: short protein forms Q20*.
Identifiers: ClinVar variation 1388572 (VCV001388572.6), dbSNP rs1292866391, ClinGen allele CA352288599.